The following is an entry in ClinVar:

ClinVar aggregate classification (germline): Uncertain significance (1 of 4 stars; one submission).

Conditions:
Familial thoracic aortic aneurysm and aortic dissection (TAAD). Also called: Thoracic aortic aneurysms and dissections. Identifiers: Orphanet 91387, MedGen C4707243, MONDO:0019625.

Submission:

Ambry Genetics
Classification: Uncertain significance for Familial thoracic aortic aneurysm and aortic dissection. Last evaluated: 2025-01-21. Review status: criteria provided, single submitter. Criteria: Ambry Variant Classification Scheme 2023. Collection method: clinical testing. Allele origin: germline.
Comment: The p.N158S variant (also known as c.473A>G), located in coding exon 2 of the TGFB3 gene, results from an A to G substitution at nucleotide position 473. The asparagine at codon 158 is replaced by serine, an amino acid with highly similar properties. This amino acid position is conserved. In addition, this alteration is predicted to be tolerated by in silico analysis. Based on the available evidence, the clinical significance of this variant remains unclear.

NM_003239.5(TGFB3):c.473A>G (p.Asn158Ser)

Gene: TGFB3 (transforming growth factor beta 3; minus strand). Cytogenetic location: 14q24.3.
Variant type: single nucleotide variant.
Coding change: c.473A>G on transcript NM_003239.5 (MANE Select); coding-DNA position 473, A replaced by G.
Protein change: p.Asn158Ser; replaces asparagine 158 with serine.
Molecular consequence: missense variant.
Genome position (GRCh38, 1-based): chr14:75,971,598, T>C on the plus strand (A>G on the coding strand, the complement: TGFB3 is on the minus strand). VCF-style: chr14-75971598-T-C. GRCh37 (hg19) VCF-style: chr14-76437941-T-C.
Other names: c.473A>G, p.Asn158Ser (NM_001329938.2, NM_001329939.2); short protein forms N158S.
Identifiers: ClinVar variation 3806406 (VCV003806406.1).